The following is an entry in ClinVar:

NM_000057.4(BLM):c.1607A>G (p.His536Arg)

Gene: BLM (BLM RecQ like helicase; plus strand). Cytogenetic location: 15q26.1.
Variant type: single nucleotide variant.
Coding change: c.1607A>G on transcript NM_000057.4 (MANE Select); coding-DNA position 1607, A replaced by G.
Protein change: p.His536Arg; replaces histidine 536 with arginine.
Molecular consequence: missense variant.
Genome position (GRCh38, 1-based): chr15:90,760,980, A>G. VCF-style: chr15-90760980-A-G. GRCh37 (hg19) VCF-style: chr15-91304210-A-G.
Other names: c.1607A>G, p.His536Arg (NM_001287246.2, NM_001287247.2); c.482A>G, p.His161Arg (NM_001287248.2); short protein forms H161R, H536R.
Identifiers: ClinVar variation 3991638 (VCV003991638.1).

ClinVar aggregate classification (germline): Uncertain significance (1 of 4 stars; one submission).

Conditions:
Hereditary cancer-predisposing syndrome. Also called: Tumor predisposition; Hereditary neoplastic syndrome; Neoplastic Syndromes, Hereditary; Hereditary Cancer Syndrome. Identifiers: Orphanet 140162, MedGen C0027672, MeSH D009386, MONDO:0015356.

Submission:

Ambry Genetics
Classification: Uncertain significance for Hereditary cancer-predisposing syndrome. Last evaluated: 2025-04-07. Review status: criteria provided, single submitter. Criteria: Ambry Variant Classification Scheme 2023. Collection method: clinical testing. Allele origin: germline.
Comment: The p.H536R variant (also known as c.1607A>G), located in coding exon 6 of the BLM gene, results from an A to G substitution at nucleotide position 1607. The histidine at codon 536 is replaced by arginine, an amino acid with highly similar properties. This amino acid position is conserved. In addition, this alteration is predicted to be tolerated by in silico analysis. Based on the available evidence, the clinical significance of this variant remains unclear.